The following is an entry in ClinVar:

ClinVar aggregate classification (germline): Conflicting classifications of pathogenicity. Review status: criteria provided, conflicting classifications (1 of 4 stars). 2 submissions from 2 submitters: Uncertain significance (1); Likely benign (1). Last evaluated 2024-09-20.

Conditions:
Developmental and epileptic encephalopathy, 18 (DEE18). Also called: Early infantile epileptic encephalopathy 18. Identifiers: Orphanet 369894, MedGen C3809624, MONDO:0014201, OMIM 615476.
Inborn genetic diseases. Identifiers: MedGen C0950123, MeSH D030342.

gnomAD v4.1: 11 of 1,613,990 alleles (0.00068%); highest among the groups gnomAD compares: South Asian, 0.0055%; no homozygotes.

Submissions (2):

3billion
Classification: Likely benign for Developmental and epileptic encephalopathy, 18. Last evaluated: 2024-09-20. Review status: criteria provided, single submitter. Criteria: ACMG Guidelines, 2015. Collection method: clinical testing. Allele origin: germline. Affected: no.
Comment: The homozygous variant was found in patients diagnosed with another variant in a different gene, with no symptoms related to the gene containing the homozygous variant.

Ambry Genetics
Classification: Uncertain significance for Inborn genetic diseases. Last evaluated: 2023-05-31. Review status: criteria provided, single submitter. Criteria: Ambry Variant Classification Scheme 2023. Collection method: clinical testing. Allele origin: germline.

NM_001365999.1(SZT2):c.4817G>A (p.Arg1606Gln)

Gene: SZT2 (SZT2 subunit of KICSTOR complex; plus strand). Cytogenetic location: 1p34.2.
Variant type: single nucleotide variant.
Coding change: c.4817G>A on transcript NM_001365999.1 (MANE Select); coding-DNA position 4817, G replaced by A.
Protein change: p.Arg1606Gln; replaces arginine 1606 with glutamine.
Molecular consequence: missense variant.
Genome position (GRCh38, 1-based): chr1:43,430,991, G>A. VCF-style: chr1-43430991-G-A. GRCh37 (hg19) VCF-style: chr1-43896662-G-A.
Other names: c.4646G>A, p.Arg1549Gln (NM_015284.4); short protein forms R1606Q, R1549Q.
Identifiers: ClinVar variation 2554119 (VCV002554119.3), dbSNP rs1471308449, ClinGen allele CA340022788.